The following is an entry in ClinVar:

ClinVar aggregate classification (germline): Uncertain significance (1 of 4 stars; one submission).

Submission:

GeneDx
Classification: Uncertain significance. Last evaluated: 2026-08-27. Review status: criteria provided, single submitter. Criteria: GeneDx Variant Classification Process June 2021. Collection method: clinical testing. Allele origin: germline.
Comment: In silico analysis suggests that this missense variant does not alter protein structure/function; Has not been previously published as pathogenic or benign to our knowledge

NM_004667.6(HERC2):c.50A>G (p.Lys17Arg)

Gene: HERC2 (HECT and RLD domain containing E3 ubiquitin protein ligase 2; minus strand). Cytogenetic location: 15q13.1.
Variant type: single nucleotide variant.
Coding change: c.50A>G on transcript NM_004667.6 (MANE Select); coding-DNA position 50, A replaced by G.
Protein change: p.Lys17Arg; replaces lysine 17 with arginine.
Molecular consequence: missense variant.
Genome position (GRCh38, 1-based): chr15:28,321,384, T>C on the plus strand (A>G on the coding strand, the complement: HERC2 is on the minus strand). VCF-style: chr15-28321384-T-C. GRCh37 (hg19) VCF-style: chr15-28566530-T-C.
Other names: short protein forms K17R.
Identifiers: ClinVar variation 3365003 (VCV003365003.2).